The following is an entry in ClinVar:

NM_007289.4(MME):c.1358A>T (p.Gln453Leu)

Gene: MME (membrane metalloendopeptidase; plus strand). Cytogenetic location: 3q25.2.
Variant type: single nucleotide variant.
Coding change: c.1358A>T on transcript NM_007289.4 (MANE Select); coding-DNA position 1358, A replaced by T.
Protein change: p.Gln453Leu; replaces glutamine 453 with leucine.
Molecular consequence: missense variant.
Genome position (GRCh38, 1-based): chr3:155,144,399, A>T. VCF-style: chr3-155144399-A-T. GRCh37 (hg19) VCF-style: chr3-154862188-A-T.
Other names: c.1358A>T, p.Gln453Leu (NM_000902.5, NM_001354642.2, NM_001354643.1 and 2 more transcripts); c.1358A>T (NM_007289.2); short protein forms Q453L.
Identifiers: ClinVar variation 3696358 (VCV003696358.3).

ClinVar aggregate classification (germline): Uncertain significance. Review status: criteria provided, multiple submitters, no conflicts (2 of 4 stars). 2 submissions from 2 submitters: Uncertain significance (2). Last evaluated 2025-03-04.

Conditions:
Inborn genetic diseases. Identifiers: MedGen C0950123, MeSH D030342.

gnomAD v4.1: 4 of 1,613,308 alleles (0.00025%); highest among the groups gnomAD compares: Non-Finnish European, 0.00034%; no homozygotes.

Submissions (2):

Labcorp Genetics (formerly Invitae), Labcorp
Classification: Uncertain significance. Last evaluated: 2025-03-04. Review status: criteria provided, single submitter. Criteria: Invitae Variant Classification Sherloc (09022015). Collection method: clinical testing. Allele origin: germline.
Comment: This sequence change replaces glutamine, which is neutral and polar, with leucine, which is neutral and non-polar, at codon 453 of the MME protein (p.Gln453Leu). This variant is present in population databases (no rsID available, gnomAD 0.0009%). This variant has not been reported in the literature in individuals affected with MME-related conditions. Invitae Evidence Modeling of protein sequence and biophysical properties (such as structural, functional, and spatial information, amino acid conservation, physicochemical variation, residue mobility, and thermodynamic stability) indicates that this missense variant is not expected to disrupt MME protein function with a negative predictive value of 80%. In summary, the available evidence is currently insufficient to determine the role of this variant in disease. Therefore, it has been classified as a Variant of Uncertain Significance.

Ambry Genetics
Classification: Uncertain significance for Inborn genetic diseases. Last evaluated: 2025-02-12. Review status: criteria provided, single submitter. Criteria: Ambry Variant Classification Scheme 2023. Collection method: clinical testing. Allele origin: germline.